The following is an entry in ClinVar:

NM_018136.5(ASPM):c.6183_6184del (p.Lys2062fs)

Gene: ASPM (assembly factor for spindle microtubules; minus strand). Cytogenetic location: 1q31.3.
Variant type: Deletion.
Coding change: c.6183_6184del on transcript NM_018136.5 (MANE Select); coding-DNA positions 6183 to 6184, 2 bases deleted (GA; older notation c.6183_6184delGA).
Protein change: p.Lys2062fs; shifts the reading frame from lysine 2062.
Molecular consequence: frameshift variant. On other transcripts: intron variant (1).
Genome position (GRCh38, 1-based): chr1:197,103,067-197,103,068, TC deleted on the plus strand (GA on the coding strand, the reverse complement: ASPM is on the minus strand); deleting any 2 consecutive bases within chr1:197,103,067-197,103,069 gives the same sequence; the c. name uses the placement nearest the transcript's 3' end. VCF-style (leftmost placement, unchanged base first): chr1-197103066-TTC-T. GRCh37 (hg19) VCF-style: chr1-197072196-TTC-T.
Other names: c.4066-6904_4066-6903del (NM_001206846.2); short protein forms K2062fs.
Identifiers: ClinVar variation 234435 (VCV000234435.2), dbSNP rs750664956, ClinGen allele CA1309619.

ClinVar aggregate classification (germline): Pathogenic (1 of 4 stars; one submission).

Submission:

GeneDx
Classification: Pathogenic. Last evaluated: 2015-04-13. Review status: criteria provided, single submitter. Criteria: GeneDx Variant Classification (06012015). Collection method: clinical testing. Allele origin: germline. Affected: yes.
Comment: The c.6183_6184delGA mutation in the ASPM gene causes a frameshift starting with codon Lysine 2062, changes this amino acid to an Isoleucine residue and creates a premature Stop codon at position 5 of the new reading frame, denoted p.Lys2062IlefsX5. This mutation is predicted to cause loss of normal protein function either through protein truncation or nonsense-mediated mRNA decay. Although the c.6183_6184delGA mutation has not been previously reported to our knowledge, it is interpreted as a disease-causing mutation.